The following is an entry in ClinVar:

NM_025009.5(CEP135):c.1447del (p.Ser483fs)

Gene: CEP135 (centrosomal protein 135; plus strand). Cytogenetic location: 4q12.
Variant type: Deletion.
Coding change: c.1447del on transcript NM_025009.5 (MANE Select); coding-DNA position 1447, one base deleted (A; older notation c.1447delA).
Protein change: p.Ser483fs; shifts the reading frame from serine 483.
Molecular consequence: frameshift variant.
Genome position (GRCh38, 1-based): chr4:55,974,943, A deleted; the last of 6 consecutive A bases (chr4:55,974,938-55,974,943); deleting any one gives the same sequence. VCF-style (leftmost placement, unchanged base first): chr4-55974937-GA-G. GRCh37 (hg19) VCF-style: chr4-56841103-GA-G.
Other names: short protein forms S483fs.
Identifiers: ClinVar variation 3722649 (VCV003722649.2).

ClinVar aggregate classification (germline): Pathogenic (1 of 4 stars; one submission).

Submission:

Labcorp Genetics (formerly Invitae), Labcorp
Classification: Pathogenic. Last evaluated: 2024-10-16. Review status: criteria provided, single submitter. Criteria: Invitae Variant Classification Sherloc (09022015). Collection method: clinical testing. Allele origin: germline.
Comment: This sequence change creates a premature translational stop signal (p.Ser483Valfs*30) in the CEP135 gene. It is expected to result in an absent or disrupted protein product. Loss-of-function variants in CEP135 are known to be pathogenic (PMID: 22521416, 26657937). This variant is not present in population databases (gnomAD no frequency). This variant has not been reported in the literature in individuals affected with CEP135-related conditions. For these reasons, this variant has been classified as Pathogenic.

Literature cited by the submitters: PubMed 22521416; PubMed 26657937.